The following is an entry in ClinVar:

NM_053025.4(MYLK):c.5339C>T (p.Pro1780Leu)

Genes: MYLK (myosin light chain kinase; minus strand), MYLK-AS1 (MYLK antisense RNA 1; plus strand). Cytogenetic location: 3q21.1.
Variant type: single nucleotide variant.
Coding change: c.5339C>T on transcript NM_053025.4 (MANE Select); coding-DNA position 5339, C replaced by T.
Protein change: p.Pro1780Leu; replaces proline 1780 with leucine.
Molecular consequence: missense variant.
Genome position (GRCh38, 1-based): chr3:123,620,236, G>A on the plus strand (C>T on the coding strand, the complement: MYLK is on the minus strand). VCF-style: chr3-123620236-G-A. GRCh37 (hg19) VCF-style: chr3-123339083-G-A.
Other names: c.4811C>T, p.Pro1604Leu (NM_001321309.2); c.5132C>T, p.Pro1711Leu (NM_053026.4); c.5186C>T, p.Pro1729Leu (NM_053027.4); c.4979C>T, p.Pro1660Leu (NM_053028.4); c.59C>T, p.Pro20Leu (NM_053031.4, NM_053032.4); c.5339C>T (NM_053025.3); short protein forms P1604L, P1660L, P1711L, P1729L, P1780L, P20L.
Identifiers: ClinVar variation 1052898 (VCV001052898.10), dbSNP rs200088151, ClinGen allele CA072794.

ClinVar aggregate classification (germline): Uncertain significance. Review status: criteria provided, multiple submitters, no conflicts (2 of 4 stars). 2 submissions from 2 submitters: Uncertain significance (2). Last evaluated 2023-10-19.

Conditions:
Familial thoracic aortic aneurysm and aortic dissection (TAAD). Also called: Thoracic aortic aneurysms and dissections. Identifiers: Orphanet 91387, MedGen C4707243, MONDO:0019625.
Aortic aneurysm, familial thoracic 7 (AAT7). Also called: AORTIC DISSECTION, FAMILIAL, WITH OR WITHOUT AORTIC ANEURYSM. Identifiers: MedGen C3151077, MONDO:0013418, OMIM 613780.

Allele frequency attached by ClinVar (database versions not stated): ExAC 0.00002; 1000 Genomes Project 30x 0.00016; 1000 Genomes Project 0.00020.
gnomAD v4.1: 14 of 1,614,116 alleles (0.00087%); highest among the groups gnomAD compares: East Asian, 0.0045%; no homozygotes.

Submissions (2):

Ambry Genetics
Classification: Uncertain significance for Familial thoracic aortic aneurysm and aortic dissection. Last evaluated: 2023-10-19. Review status: criteria provided, single submitter. Criteria: Ambry Variant Classification Scheme 2023. Collection method: clinical testing. Allele origin: germline.
Comment: The p.P1780L variant (also known as c.5339C>T), located in coding exon 29 of the MYLK gene, results from a C to T substitution at nucleotide position 5339. The proline at codon 1780 is replaced by leucine, an amino acid with similar properties. This amino acid position is conserved. In addition, the in silico prediction for this alteration is inconclusive. Since supporting evidence is limited at this time, the clinical significance of this alteration remains unclear.

Labcorp Genetics (formerly Invitae), Labcorp
Classification: Uncertain significance for Aortic aneurysm, familial thoracic 7. Last evaluated: 2023-09-08. Review status: criteria provided, single submitter. Criteria: Invitae Variant Classification Sherloc (09022015). Collection method: clinical testing. Allele origin: germline.
Comment: This sequence change replaces proline, which is neutral and non-polar, with leucine, which is neutral and non-polar, at codon 1780 of the MYLK protein (p.Pro1780Leu). Advanced modeling of protein sequence and biophysical properties (such as structural, functional, and spatial information, amino acid conservation, physicochemical variation, residue mobility, and thermodynamic stability) performed at Invitae indicates that this missense variant is not expected to disrupt MYLK protein function. In summary, the available evidence is currently insufficient to determine the role of this variant in disease. Therefore, it has been classified as a Variant of Uncertain Significance. This variant is present in population databases (rs200088151, gnomAD 0.003%). This variant has not been reported in the literature in individuals affected with MYLK-related conditions. ClinVar contains an entry for this variant (Variation ID: 1052898).